The following is an entry in ClinVar:

ClinVar aggregate classification (germline): Uncertain significance (1 of 4 stars; one submission).

Conditions:
Primary ciliary dyskinesia. Also called: Ciliary dyskinesia. Identifiers: Orphanet 244, MedGen C0008780, MONDO:0016575, HP:0012265.

Allele frequency attached by ClinVar (database versions not stated): gnomAD exomes below 0.00001; TOPMed below 0.00001; gnomAD 0.00001.
gnomAD v4.1: 3 of 1,613,872 alleles (0.00019%); highest among the groups gnomAD compares: Non-Finnish European, 0.00025%; no homozygotes.

Submission:

Labcorp Genetics (formerly Invitae), Labcorp
Classification: Uncertain significance for Primary ciliary dyskinesia. Last evaluated: 2022-06-28. Review status: criteria provided, single submitter. Criteria: Invitae Variant Classification Sherloc (09022015). Collection method: clinical testing. Allele origin: germline.
Comment: This sequence change replaces valine, which is neutral and non-polar, with alanine, which is neutral and non-polar, at codon 1079 of the DNAH5 protein (p.Val1079Ala). This variant is not present in population databases (gnomAD no frequency). This variant has not been reported in the literature in individuals affected with DNAH5-related conditions. Advanced modeling of protein sequence and biophysical properties (such as structural, functional, and spatial information, amino acid conservation, physicochemical variation, residue mobility, and thermodynamic stability) performed at Invitae indicates that this missense variant is not expected to disrupt DNAH5 protein function. In summary, the available evidence is currently insufficient to determine the role of this variant in disease. Therefore, it has been classified as a Variant of Uncertain Significance.

NM_001369.3(DNAH5):c.3236T>C (p.Val1079Ala)

Genes: DNAH5 (dynein axonemal heavy chain 5; minus strand), DNAH5-AS1 (DNAH5 antisense RNA 1; plus strand). Cytogenetic location: 5p15.2.
Variant type: single nucleotide variant.
Coding change: c.3236T>C on transcript NM_001369.3 (MANE Select); coding-DNA position 3236, T replaced by C.
Protein change: p.Val1079Ala; replaces valine 1079 with alanine.
Molecular consequence: missense variant.
Genome position (GRCh38, 1-based): chr5:13,882,754, A>G on the plus strand (T>C on the coding strand, the complement: DNAH5 is on the minus strand). VCF-style: chr5-13882754-A-G. GRCh37 (hg19) VCF-style: chr5-13882863-A-G.
Other names: short protein forms V1079A.
Identifiers: ClinVar variation 1423684 (VCV001423684.3), dbSNP rs1771847921, ClinGen allele CA359191742.